The following is an entry in ClinVar:

ClinVar aggregate classification (germline): Likely benign. Review status: criteria provided, multiple submitters, no conflicts (2 of 4 stars). 2 submissions from 2 submitters: Likely benign (2). Last evaluated 2025-10-03.

Conditions:
Congenital contractural arachnodactyly (CCA). Also called: BEALS SYNDROME; Arthrogryposis, distal, type 9; Beals-Hecht syndrome. Identifiers: Orphanet 115, MedGen C0220668, MONDO:0007363, OMIM 121050.

Allele frequency attached by ClinVar (database versions not stated): gnomAD 0.00002 and 0.00004; gnomAD exomes 0.00003; TOPMed 0.00003; ExAC 0.00006; ESP Exome Variant Server 0.00008; 1000 Genomes Project 0.00020; 1000 Genomes Project 30x 0.00031.
gnomAD v4.1: 27 of 1,607,706 alleles (0.0017%); highest among the groups gnomAD compares: South Asian, 0.0088%; no homozygotes.

Submissions (2):

Labcorp Genetics (formerly Invitae), Labcorp
Classification: Likely benign for Congenital contractural arachnodactyly. Last evaluated: 2025-10-03. Review status: criteria provided, single submitter. Criteria: Invitae Variant Classification Sherloc (09022015). Collection method: clinical testing. Allele origin: germline.

GeneDx
Classification: Likely benign. Last evaluated: 2019-04-22. Review status: criteria provided, single submitter. Criteria: GeneDx Variant Classification Process June 2021. Collection method: clinical testing. Allele origin: germline. Affected: yes.
Comment: Has not been previously published as pathogenic or benign to our knowledge

NM_001999.4(FBN2):c.2990-8C>T

Genes: FBN2 (fibrillin 2; minus strand), LOC126807501 (BRD4-independent group 4 enhancer GRCh37_chr5:127680731-127681930; plus strand). Cytogenetic location: 5q23.3.
Variant type: single nucleotide variant.
Coding change: c.2990-8C>T on transcript NM_001999.4 (MANE Select); 8 bases into the intron before coding-DNA position 2990, C replaced by T.
Molecular consequence: intron variant.
Genome position (GRCh38, 1-based): chr5:128,345,592, G>A on the plus strand (C>T on the coding strand, the complement: FBN2 is on the minus strand). VCF-style: chr5-128345592-G-A. GRCh37 (hg19) VCF-style: chr5-127681284-G-A.
Identifiers: ClinVar variation 509808 (VCV000509808.6), dbSNP rs370825177, ClinGen allele CA3395357.